The following is an entry in ClinVar:

ClinVar aggregate classification (germline): Likely benign (0 of 4 stars; one submission).

Conditions:
ITSN2-related disorder. Also called: ITSN2-related condition.

Allele frequency attached by ClinVar (database versions not stated): gnomAD 0.00001; gnomAD exomes 0.00002; ExAC 0.00004; 1000 Genomes Project 30x 0.00016; 1000 Genomes Project 0.00020.
gnomAD v4.1: 32 of 1,613,918 alleles (0.002%); highest among the groups gnomAD compares: South Asian, 0.023%; no homozygotes.

Submission:

PreventionGenetics, part of Exact Sciences
Classification: Likely benign for ITSN2-related condition. Last evaluated: 2023-03-08. Review status: no assertion criteria provided. Collection method: clinical testing. Allele origin: germline.
Comment: This variant is classified as likely benign based on ACMG/AMP sequence variant interpretation guidelines (Richards et al. 2015 PMID: 25741868, with internal and published modifications).

NM_006277.3(ITSN2):c.4233C>T (p.His1411=)

Gene: ITSN2 (intersectin 2; minus strand). Cytogenetic location: 2p23.3.
Variant type: single nucleotide variant.
Coding change: c.4233C>T on transcript NM_006277.3 (MANE Select); coding-DNA position 4233, C replaced by T.
Protein change: p.His1411=; no amino-acid change (histidine 1411 retained).
Molecular consequence: synonymous variant.
Genome position (GRCh38, 1-based): chr2:24,210,804, G>A on the plus strand (C>T on the coding strand, the complement: ITSN2 is on the minus strand). VCF-style: chr2-24210804-G-A. GRCh37 (hg19) VCF-style: chr2-24433673-G-A.
Other names: c.4191C>T, p.His1397= (NM_001348181.2); c.4113C>T, p.His1371= (NM_001348182.2); c.4152C>T, p.His1384= (NM_019595.4).
Identifiers: ClinVar variation 3060003 (VCV003060003.2), dbSNP rs534527339, ClinGen allele CA1550657.